The following is an entry in ClinVar:

ClinVar aggregate classification (germline): Uncertain significance (1 of 4 stars; one submission).

Conditions:
Inborn genetic diseases. Identifiers: MedGen C0950123, MeSH D030342.

gnomAD v4.1: 2 of 1,612,466 alleles (0.00012%); highest among the groups gnomAD compares: East Asian, 0.0045%; no homozygotes.

Submission:

Ambry Genetics
Classification: Uncertain significance for Inborn genetic diseases. Last evaluated: 2025-02-15. Review status: criteria provided, single submitter. Criteria: Ambry Variant Classification Scheme 2023. Collection method: clinical testing. Allele origin: germline.
Comment: The p.A868G variant (also known as c.2603C>G), located in coding exon 27 of the RTEL1 gene, results from a C to G substitution at nucleotide position 2603. The alanine at codon 868 is replaced by glycine, an amino acid with similar properties. This amino acid position is conserved. In addition, this alteration is predicted to be tolerated by in silico analysis. Based on the available evidence, the clinical significance of this variant remains unclear.

NM_001283009.2(RTEL1):c.2603C>G (p.Ala868Gly)

Genes: RTEL1 (regulator of telomere elongation helicase 1; plus strand), RTEL1-TNFRSF6B (RTEL1-TNFRSF6B readthrough (NMD candidate); plus strand). Cytogenetic location: 20q13.33.
Variant type: single nucleotide variant.
Coding change: c.2603C>G on transcript NM_001283009.2 (MANE Select); coding-DNA position 2603, C replaced by G.
Protein change: p.Ala868Gly; replaces alanine 868 with glycine.
Molecular consequence: missense variant. On other transcripts: non-coding transcript variant (1).
Genome position (GRCh38, 1-based): chr20:63,691,788, C>G. VCF-style: chr20-63691788-C-G. GRCh37 (hg19) VCF-style: chr20-62323141-C-G.
Other names: c.1934C>G, p.Ala645Gly (NM_001283010.1); c.2603C>G, p.Ala868Gly (NM_016434.4); c.2675C>G, p.Ala892Gly (NM_032957.5); short protein forms A645G, A868G, A892G.
Identifiers: ClinVar variation 3791154 (VCV003791154.1).